The following is an entry in ClinVar:

ClinVar aggregate classification (germline): Pathogenic (1 of 4 stars; one submission).

Conditions:
Oculodentodigital dysplasia, autosomal recessive. Also called: OCULODENTOOSSEOUS DYSPLASIA, AUTOSOMAL RECESSIVE; ODDD, AUTOSOMAL RECESSIVE; ODOD, AUTOSOMAL RECESSIVE. Identifiers: Orphanet 2710, MedGen C2749477, MONDO:0009768, OMIM 257850.

Submission:

Labcorp Genetics (formerly Invitae), Labcorp
Classification: Pathogenic for Oculodentodigital dysplasia, autosomal recessive. Last evaluated: 2019-11-29. Review status: criteria provided, single submitter. Criteria: Invitae Variant Classification Sherloc (09022015). Collection method: clinical testing. Allele origin: germline.
Comment: Advanced modeling of protein sequence and biophysical properties (such as structural, functional, and spatial information, amino acid conservation, physicochemical variation, residue mobility, and thermodynamic stability) performed at Invitae indicates that this missense variant is expected to disrupt GJA1 protein function. This variant has been observed in individual(s) with oculodentodigital dysplasia (PMID: 19338053, Invitae). It has also been observed to segregate with disease in related individuals. This variant is not present in population databases (ExAC no frequency). This sequence change replaces lysine with asparagine at codon 102 of the GJA1 protein (p.Lys102Asn). The lysine residue is highly conserved and there is a moderate physicochemical difference between lysine and asparagine. For these reasons, this variant has been classified as Pathogenic.

Literature cited by the submitters: PubMed 19338053.

NM_000165.5(GJA1):c.306G>C (p.Lys102Asn)

Gene: GJA1 (gap junction protein alpha 1; plus strand). Cytogenetic location: 6q22.31.
Variant type: single nucleotide variant.
Coding change: c.306G>C on transcript NM_000165.5 (MANE Select); coding-DNA position 306, G replaced by C.
Protein change: p.Lys102Asn; replaces lysine 102 with asparagine.
Molecular consequence: missense variant.
Genome position (GRCh38, 1-based): chr6:121,447,153, G>C. VCF-style: chr6-121447153-G-C. GRCh37 (hg19) VCF-style: chr6-121768299-G-C.
Other names: short protein forms K102N.
Identifiers: ClinVar variation 537755 (VCV000537755.10), dbSNP rs1554201011, ClinGen allele CA365558626.